The following is an entry in ClinVar:

NM_000257.4(MYH7):c.5654C>A (p.Ala1885Glu)

Gene: MYH7 (myosin heavy chain 7; minus strand). Cytogenetic location: 14q11.2.
Variant type: single nucleotide variant.
Coding change: c.5654C>A on transcript NM_000257.4 (MANE Select); coding-DNA position 5654, C replaced by A.
Protein change: p.Ala1885Glu; replaces alanine 1885 with glutamic acid.
Molecular consequence: missense variant.
Genome position (GRCh38, 1-based): chr14:23,414,008, G>T on the plus strand (C>A on the coding strand, the complement: MYH7 is on the minus strand). VCF-style: chr14-23414008-G-T. GRCh37 (hg19) VCF-style: chr14-23883217-G-T.
Other names: short protein forms A1885E.
Identifiers: ClinVar variation 1694716 (VCV001694716.31), dbSNP rs1892080169, ClinGen allele CA389034773.

ClinVar aggregate classification (germline): Uncertain significance (1 of 4 stars; one submission).

Allele frequency attached by ClinVar (database versions not stated): gnomAD exomes below 0.00001.
gnomAD v4.1: 1 of 1,614,106 alleles (0.000062%); highest among the groups gnomAD compares: Non-Finnish European, 0.000085%; no homozygotes.

Submission:

CeGaT Center for Human Genetics Tuebingen
Classification: Uncertain significance. Last evaluated: 2022-05-01. Review status: criteria provided, single submitter. Criteria: CeGaT Center For Human Genetics Tuebingen Variant Classification Criteria Version 2. Collection method: clinical testing. Allele origin: germline. Affected: yes. Observed: 1 variant allele.
Comment: MYH7: PM2, PP3